The following is an entry in ClinVar:

ClinVar aggregate classification (germline): Pathogenic. Review status: reviewed by expert panel (3 of 4 stars). 4 submissions from 4 submitters: Pathogenic (1). 3 of the submissions do not count toward it. Last evaluated 2026-09-26.

Conditions:
RPGR-related retinopathy. Also called: RPGR retinopathy. Identifiers: MedGen CN305589, MONDO:0100437.
Retinal dystrophy. Also called: Inherited retinal dystrophy. Identifiers: Orphanet 71862, MedGen C0854723, MeSH D058499, MONDO:0019118, HP:0000556.
Retinitis pigmentosa (RP). Identifiers: Orphanet 791, MedGen C0035334, MeSH D012174, MONDO:0019200, OMIM 268000. Inheritance: Autosomal dominant, autosomal recessive and X linked inheritance.

Submissions (4):

ClinGen X-linked Inherited Retinal Disease Variant Curation Expert Panel, ClinGen
Classification: Pathogenic for RPGR-related retinopathy. Last evaluated: 2026-09-26. Review status: reviewed by expert panel. Criteria: ClinGen X LinkedIRD ACMG Specifications RPGR V1.0.0. Collection method: curation. Allele origin: germline. Inheritance: X-linked inheritance.
Comment: The NM_001034853.2(RPGR):c.469+1G>A variant is a canonical splice site variant in intron 5, located one nucleotide after exon 5. This variant occurs at a canonical splice site in intron 5 and is predicted to disrupt splicing and induce skipping of exon 5, which is expected to disrupt a critical functional domain in RPGR (PVS1). This variant is absent from hemizygous individuals in gnomAD v4.1.0 (PM2_Supporting). This variant is found in the +/- 1,2 dinucleotide and meets PVS1 (met), and another variant, c.469+1G>T, was previously classified as pathogenic in the same donor +/-1,2 dinucleotide for the RPGR-related retinopathy by ClinGen X-linked IRD VCEP (PS1_supporting). This variant has been reported in at least 1 proband meeting the PS4 requirement of a male with some functional vision impairment by age 30 and/or decreased or absent ERG responses, or a female with functional visual abnormality and documentation of a male relative affected with retinitis pigmentosa (PMID: 25324289). PS4_Supporting requires at least 2 unrelated probands, so this criterion was not met. In summary, this variant is classified as pathogenic for RPGR-related retinopathy based on the ClinGen X-linked Inherited Retinal Disease Expert Panel Specifications to the ACMG/AMP Variant Interpretation Guidelines for RPGR Version 1.0.0: PVS1, PM2_Supporting, and PS1_Supporting.

Dept Of Ophthalmology, Nagoya University
Classification: Uncertain significance for Retinal dystrophy. Last evaluated: 2023-10-01. Review status: criteria provided, single submitter. Criteria: Submitter's publication. Collection method: research. Allele origin: germline. Affected: yes. Not counted in ClinVar's aggregate classification.

Department of Ophthalmology and Visual Sciences Kyoto University
Classification: Likely pathogenic for Retinitis pigmentosa. Review status: no assertion criteria provided. Collection method: not provided. Allele origin: unknown. Not counted in ClinVar's aggregate classification.
ClinVar note: Converted during submission from probable-pathogenic to Likely pathogenic.

Retina International
No classification provided. Review status: no classification provided. Collection method: not provided. Allele origin: not provided. Not counted in ClinVar's aggregate classification.

NM_001034853.2(RPGR):c.469+1G>A

Gene: RPGR (retinitis pigmentosa GTPase regulator; minus strand). Cytogenetic location: Xp11.4.
Variant type: single nucleotide variant.
Coding change: c.469+1G>A on transcript NM_001034853.2 (MANE Select); the canonical splice donor site of the intron after coding-DNA position 469, G replaced by A.
Molecular consequence: splice donor variant.
Genome position (GRCh38, 1-based): chrX:38,318,828, C>T on the plus strand (G>A on the coding strand, the complement: RPGR is on the minus strand). VCF-style: chrX-38318828-C-T. GRCh37 (hg19) VCF-style: chrX-38178081-C-T.
Other names: c.466+1G>A (NM_001367249.1); c.469+1G>A (NM_001367250.1, NM_001367245.1, NM_001367251.1 and 3 more transcripts); c.499+1G>A (NM_001367248.1).
Identifiers: ClinVar variation 98786 (VCV000098786.4), dbSNP rs62638646, ClinGen allele CA226422.